The following is an entry in ClinVar:

NM_001673.5(ASNS):c.1182del (p.Arg395fs)

Genes: ASNS (asparagine synthetase (glutamine-hydrolyzing); minus strand), CZ1P-ASNS (CZ1P-ASNS readthrough; minus strand). Cytogenetic location: 7q21.3.
Variant type: Deletion.
Coding change: c.1182del on transcript NM_001673.5 (MANE Select); coding-DNA position 1182, one base deleted (G; older notation c.1182delG).
Protein change: p.Arg395fs; shifts the reading frame from arginine 395.
Molecular consequence: frameshift variant. On other transcripts: non-coding transcript variant (1).
Genome position (GRCh38, 1-based): chr7:97,854,636, C deleted on the plus strand (G on the coding strand, the reverse complement: ASNS is on the minus strand). VCF-style (leftmost placement, unchanged base first): chr7-97854635-TC-T. GRCh37 (hg19) VCF-style: chr7-97483947-TC-T.
Other names: c.1119del, p.Arg374fs (NM_001178075.2); c.933del, p.Arg312fs (NM_001178076.2, NM_001178077.1); c.1182del, p.Arg395fs (NM_001352496.2, NM_133436.3, NM_183356.4); short protein forms R312fs, R395fs, R374fs.
Identifiers: ClinVar variation 3668896 (VCV003668896.2).

ClinVar aggregate classification (germline): Pathogenic (1 of 4 stars; one submission).

Submission:

Labcorp Genetics (formerly Invitae), Labcorp
Classification: Pathogenic. Last evaluated: 2025-03-03. Review status: criteria provided, single submitter. Criteria: Invitae Variant Classification Sherloc (09022015). Collection method: clinical testing. Allele origin: germline.
Comment: This sequence change creates a premature translational stop signal (p.Arg395Glyfs*22) in the ASNS gene. It is expected to result in an absent or disrupted protein product. Loss-of-function variants in ASNS are known to be pathogenic (PMID: 27422383, 30057589). This variant is not present in population databases (gnomAD no frequency). This variant has not been reported in the literature in individuals affected with ASNS-related conditions. Algorithms developed to predict the effect of sequence changes on RNA splicing suggest that this variant may disrupt the consensus splice site. For these reasons, this variant has been classified as Pathogenic.

Literature cited by the submitters: PubMed 27422383; PubMed 30057589.